The following is an entry in ClinVar:

NM_000548.5(TSC2):c.4512C>G (p.Leu1504=)

Gene: TSC2 (TSC complex subunit 2; plus strand). Cytogenetic location: 16p13.3.
Variant type: single nucleotide variant.
Coding change: c.4512C>G on transcript NM_000548.5 (MANE Select); coding-DNA position 4512, C replaced by G.
Protein change: p.Leu1504=; no amino-acid change (leucine 1504 retained).
Molecular consequence: synonymous variant.
Genome position (GRCh38, 1-based): chr16:2,084,969, C>G. VCF-style: chr16-2084969-C-G. GRCh37 (hg19) VCF-style: chr16-2134970-C-G.
Other names: c.4311C>G, p.Leu1437= (NM_001077183.3); c.4443C>G, p.Leu1481= (NM_001114382.3); c.4203C>G, p.Leu1401= (NM_001318827.2); c.4167C>G, p.Leu1389= (NM_001318829.2); c.3780C>G, p.Leu1260= (NM_001318831.2); c.4344C>G, p.Leu1448= (NM_001318832.2); c.4314C>G, p.Leu1438= (NM_001363528.2); c.4380C>G, p.Leu1460= (NM_001370404.1); and 1 more.
Identifiers: ClinVar variation 413670 (VCV000413670.22), dbSNP rs771595886, ClinGen allele CA051483.
Genomic context (GRCh38, chr16:2,084,969, plus strand): 5'-CCAGGCCCTCACCTGGGTGCCCACCATCCCCTCCCTGTGCAGTTTCGTGTTCCTGCAGCT[C>G]TACCATTCCCCCTTCTTTGGCGACGAGTCAAACAAGCCAATCCTGCTGCCCAATGAGGTA-3'
Protein context (NP_000539.2, residues 1494-1514): GINPSFVFLQ[Leu1504=]YHSPFFGDES

ClinVar aggregate classification (germline): Benign/Likely benign. Review status: criteria provided, multiple submitters, no conflicts (2 of 4 stars). 8 submissions from 8 submitters: Benign (3); Likely benign (5). Last evaluated 2025-07-14.

Conditions:
Tuberous sclerosis 2 (TSC2). Identifiers: Orphanet 805, MedGen C1860707, MONDO:0013199, OMIM 613254.
Isolated focal cortical dysplasia type II (FCORD2). Also called: CORTICAL DYSPLASIA OF TAYLOR; Focal cortical dysplasia type II. Identifiers: Orphanet 268994, MedGen C1846385, MONDO:0011818, OMIM 607341, HP:0032051.
Lymphangiomyomatosis (LAM). Also called: Lymphangioleiomyomatosis; Lymphangioleiomyomatosis, somatic. Identifiers: Orphanet 538, MedGen C0751674, MONDO:0011705, OMIM 606690.
Hereditary cancer-predisposing syndrome. Also called: Neoplastic Syndromes, Hereditary; Tumor predisposition; Hereditary Cancer Syndrome; Hereditary neoplastic syndrome. Identifiers: Orphanet 140162, MedGen C0027672, MeSH D009386, MONDO:0015356.
Tuberous sclerosis syndrome (TSC). Also called: Tuberous Sclerosis Complex; Tuberous sclerosis. Identifiers: Orphanet 805, MedGen C0041341, MONDO:0001734.

Allele frequency attached by ClinVar (database versions not stated): gnomAD below 0.00001 and 0.00002; TOPMed 0.00001; ExAC 0.00006; gnomAD exomes 0.00006.

Submissions (8):

Labcorp Genetics (formerly Invitae), Labcorp
Classification: Benign for Tuberous sclerosis 2. Last evaluated: 2025-07-14. Review status: criteria provided, single submitter. Criteria: Invitae Variant Classification Sherloc (09022015). Collection method: clinical testing. Allele origin: germline.

Myriad Genetics, Inc.
Classification: Benign for Tuberous sclerosis 2. Last evaluated: 2025-06-04. Review status: criteria provided, single submitter. Criteria: Myriad Autosomal Dominant, Autosomal Recessive and X-Linked Classification Criteria (2023). Collection method: clinical testing. Allele origin: unknown.
Comment: This variant is considered benign. This variant is a silent/synonymous amino acid change and it is not expected to impact splicing.

Blueprint Genetics
Classification: Likely benign. Last evaluated: 2024-10-08. Review status: criteria provided, single submitter. Criteria: ACMG Guidelines, 2015. Collection method: clinical testing. Allele origin: germline.

All of Us Research Program, National Institutes of Health
Classification: Likely benign for Tuberous sclerosis syndrome. Last evaluated: 2023-12-01. Review status: criteria provided, single submitter. Criteria: ACMG Guidelines, 2015. Collection method: clinical testing. Allele origin: germline. Inheritance: Autosomal dominant inheritance. Observed: 2 variant alleles, 2 heterozygotes.
Comment: This study involves interpretation of variants in research participants for the purpose of population health screening. Participant phenotype was not available at the time of variant classification. Additional details can be found in publication PMID: 35346344, PMCID: PMC8962531

Color Diagnostics, LLC DBA Color Health
Classification: Likely benign for Tuberous sclerosis syndrome. Last evaluated: 2023-04-19. Review status: criteria provided, single submitter. Criteria: ACMG Guidelines, 2015. Collection method: clinical testing. Allele origin: germline.

Genome-Nilou Lab
Classification: Benign for Tuberous sclerosis 2. Last evaluated: 2021-11-07. Review status: criteria provided, single submitter. Criteria: ACMG Guidelines, 2015. Collection method: clinical testing. Allele origin: germline. Affected: no.

Fulgent Genetics
Classification: Likely benign for Lymphangiomyomatosis; Isolated focal cortical dysplasia type II; Tuberous sclerosis 2. Last evaluated: 2021-09-07. Review status: criteria provided, single submitter. Criteria: ACMG Guidelines, 2015. Collection method: clinical testing. Allele origin: unknown.

Ambry Genetics
Classification: Likely benign for Hereditary cancer-predisposing syndrome. Last evaluated: 2016-08-12. Review status: criteria provided, single submitter. Criteria: Ambry Variant Classification Scheme 2023. Collection method: clinical testing. Allele origin: germline.